The following is an entry in ClinVar:

ClinVar aggregate classification (germline): Benign. Review status: criteria provided, multiple submitters, no conflicts (2 of 4 stars). 2 submissions from 2 submitters: Benign (2). Last evaluated 2018-01-12.

Conditions:
Congenital myasthenic syndrome 12 (CMS12). Also called: MYASTHENIC SYNDROME, CONGENITAL, WITH TUBULAR AGGREGATES 1; Myasthenia, congenital, 12, with tubular aggregates. Identifiers: Orphanet 353327, Orphanet 590, MedGen C3552335, MONDO:0012518, OMIM 610542.

Allele frequency attached by ClinVar (database versions not stated): 1000 Genomes Project 0.65875; gnomAD 0.66160 and 0.66906; 1000 Genomes Project 30x 0.66568; TOPMed 0.66978; gnomAD exomes 0.80000.
gnomAD v4.1: 100,536 of 152,032 alleles (66%); highest among the groups gnomAD compares: African/African-American, 88%; 34,806 homozygotes.

Submissions (2):

Illumina Laboratory Services, Illumina
Classification: Benign for Congenital myasthenic syndrome 12. Last evaluated: 2018-01-12. Review status: criteria provided, single submitter. Criteria: ICSL Variant Classification Criteria 13 December 2019. Collection method: clinical testing. Allele origin: germline.
Comment: This variant was observed in the ICSL laboratory as part of a predisposition screen in an ostensibly healthy population. It had not been previously curated by ICSL or reported in the Human Gene Mutation Database (HGMD: prior to June 1st, 2018), and was therefore a candidate for classification through an automated scoring system. Utilizing variant allele frequency, disease prevalence and penetrance estimates, and inheritance mode, an automated score was calculated to assess if this variant is too frequent to cause the disease. Based on the score and internal cut-off values, a variant classified as benign is not then subjected to further curation. The score for this variant resulted in a classification of benign for this disease.

Breakthrough Genomics
Classification: Benign. Review status: criteria provided, single submitter. Criteria: ACMG Guidelines, 2015. Collection method: not provided. Allele origin: germline. Inheritance: Autosomal recessive inheritance. Affected: yes.

NM_001244710.2(GFPT1):c.*3285A>G

Gene: GFPT1 (glutamine--fructose-6-phosphate transaminase 1; minus strand). Cytogenetic location: 2p13.3.
Variant type: single nucleotide variant.
Coding change: c.*3285A>G on transcript NM_001244710.2 (MANE Select); 3285 bases downstream of the stop codon, A replaced by G.
Molecular consequence: 3 prime UTR variant.
Genome position (GRCh38, 1-based): chr2:69,322,904, T>C on the plus strand (A>G on the coding strand, the complement: GFPT1 is on the minus strand). VCF-style: chr2-69322904-T-C. GRCh37 (hg19) VCF-style: chr2-69550036-T-C.
Other names: c.*3285A>G (NM_002056.4).
Identifiers: ClinVar variation 336818 (VCV000336818.6), dbSNP rs7579532, ClinGen allele CA10615729.
Genomic context (GRCh38, chr2:69,322,904, plus strand): 5'-GACCATTATTCAAGTAGACAAAATCACTCACTGACAGCACTTTAACAACCCGCCTCCACT[T>C]CATCTTCCCATTCTCTCACCCTATGCCTTCCAATGAACCTAGTCTTTGCTAGTGATGAGT-3'